The following is an entry in ClinVar:

ClinVar aggregate classification (germline): Uncertain significance (1 of 4 stars; one submission).

Conditions:
Myopathy, proximal, and ophthalmoplegia (CMYO6). Also called: MYOPATHY WITH CONGENITAL JOINT CONTRACTURES, OPHTHALMOPLEGIA, AND RIMMED VACUOLES; CONGENITAL MYOPATHY 6 WITH OPHTHALMOPLEGIA; INCLUSION BODY MYOPATHY 3, AUTOSOMAL DOMINANT. Identifiers: Orphanet 363677, Orphanet 79091, MedGen C1854106, MONDO:0011577, OMIM 605637.

Allele frequency attached by ClinVar (database versions not stated): gnomAD exomes below 0.00001.

Submission:

Labcorp Genetics (formerly Invitae), Labcorp
Classification: Uncertain significance for Myopathy, proximal, and ophthalmoplegia. Last evaluated: 2023-11-19. Review status: criteria provided, single submitter. Criteria: Invitae Variant Classification Sherloc (09022015). Collection method: clinical testing. Allele origin: germline.
Comment: This sequence change replaces glycine, which is neutral and non-polar, with valine, which is neutral and non-polar, at codon 1063 of the MYH2 protein (p.Gly1063Val). This variant is not present in population databases (gnomAD no frequency). This variant has not been reported in the literature in individuals affected with MYH2-related conditions. Advanced modeling of protein sequence and biophysical properties (such as structural, functional, and spatial information, amino acid conservation, physicochemical variation, residue mobility, and thermodynamic stability) performed at Invitae indicates that this missense variant is not expected to disrupt MYH2 protein function with a negative predictive value of 80%. In summary, the available evidence is currently insufficient to determine the role of this variant in disease. Therefore, it has been classified as a Variant of Uncertain Significance.

NM_017534.6(MYH2):c.3188G>T (p.Gly1063Val)

Genes: MYHAS (myosin heavy chain gene cluster antisense RNA; plus strand), MYH2 (myosin heavy chain 2; minus strand). Cytogenetic location: 17p13.1.
Variant type: single nucleotide variant.
Coding change: c.3188G>T on transcript NM_017534.6 (MANE Select); coding-DNA position 3188, G replaced by T.
Protein change: p.Gly1063Val; replaces glycine 1063 with valine.
Molecular consequence: missense variant.
Genome position (GRCh38, 1-based): chr17:10,529,411, C>A on the plus strand (G>T on the coding strand, the complement: MYH2 is on the minus strand). VCF-style: chr17-10529411-C-A. GRCh37 (hg19) VCF-style: chr17-10432728-C-A.
Other names: c.3188G>T, p.Gly1063Val (NM_001100112.2); short protein forms G1063V.
Identifiers: ClinVar variation 2876945 (VCV002876945.3), dbSNP rs2508431117, ClinGen allele CA398138625.